The following is an entry in ClinVar:

NM_001367721.1(CASK):c.2686A>G (p.Asn896Asp)

Genes: CASK (calcium/calmodulin dependent serine protein kinase; minus strand), CASK-AS1 (CASK antisense RNA 1; plus strand). Cytogenetic location: Xp11.4.
Variant type: single nucleotide variant.
Coding change: c.2686A>G on transcript NM_001367721.1 (MANE Select); coding-DNA position 2686, A replaced by G.
Protein change: p.Asn896Asp; replaces asparagine 896 with aspartic acid.
Molecular consequence: missense variant.
Genome position (GRCh38, 1-based): chrX:41,520,515, T>C on the plus strand (A>G on the coding strand, the complement: CASK is on the minus strand). VCF-style: chrX-41520515-T-C. GRCh37 (hg19) VCF-style: chrX-41379768-T-C.
Other names: c.2602A>G, p.Asn868Asp (NM_001126054.3); c.2599A>G, p.Asn867Asp (NM_001126055.3); c.2668A>G, p.Asn890Asp (NM_001410745.1); c.2671A>G, p.Asn891Asp (NM_003688.4); short protein forms N867D, N868D, N890D, N891D, N896D.
Identifiers: ClinVar variation 2501526 (VCV002501526.1), dbSNP rs2519652045, ClinGen allele CA412988851.
Genomic context (GRCh38, chrX:41,520,515, plus strand): 5'-CTGTGCACACGAGCTCAACAGCTTCCTCCAGATGTCTGATTGTCTCATCAATTTCATTGT[T>C]GATAATTGTGAGATCGAAGTAGTGTGCATATGTTCTCTGTAAGATGTCAGACTCCTTCTG-3'
Protein context (NP_001354650.1, residues 886-906): YAHYFDLTII[Asn896Asp]NEIDETIRHL

ClinVar aggregate classification (germline): Uncertain significance (1 of 4 stars; one submission).

Submission:

GeneDx
Classification: Uncertain significance. Last evaluated: 2022-11-07. Review status: criteria provided, single submitter. Criteria: GeneDx Variant Classification Process June 2021. Collection method: clinical testing. Allele origin: germline. Affected: yes.
Comment: Not observed at significant frequency in large population cohorts (gnomAD); In silico analysis supports that this missense variant has a deleterious effect on protein structure/function; Has not been previously published as pathogenic or benign to our knowledge